The following is an entry in ClinVar:

ClinVar aggregate classification (germline): Uncertain significance (1 of 4 stars; one submission).

Conditions:
Mitochondrial DNA depletion syndrome 13. Also called: FBXL4-Related Encephalomyopathic Mitochondrial DNA Depletion Syndrome; Mitochondrial DNA depletion syndrome 13 (encephalomyopathic type). Identifiers: Orphanet 369897, MedGen C3809592, MONDO:0014198, OMIM 615471.

Allele frequency attached by ClinVar (database versions not stated): gnomAD 0.00001; TOPMed 0.00001; ExAC 0.00001.

Submission:

Wong Mito Lab, Molecular and Human Genetics, Baylor College of Medicine
Classification: Uncertain significance for Mitochondrial DNA depletion syndrome 13. Last evaluated: 2017-08-10. Review status: criteria provided, single submitter. Criteria: ACMG Guidelines, 2015. Collection method: reference population. Allele origin: germline.
Comment: The NM_012160.4:c.1626T>G (NP_036292.2:p.Ala542=) [GRCH38: NC_000006.12:g.98875491A>C] variant in FBXL4 gene is interpretated to be a Uncertain Significance - Conflicting Evidence based on ACMG guidelines (PMID: 25741868). This variant meets one or more of the following evidence codes reported in the ACMG-guideline. PM2:This variant is absent in key population databases. BP4:Computational evidence/predictors indicate no impact on the FBXL4 structure, function, or protein-protein interaction. BP7:The variant is silent with non predicted splice impact. Based on this evidence code ClinGen Pathogenicity Calculator (PMID:28081714) suggested that the variant is Uncertain Significance - Conflicting Evidence.

NM_001278716.2(FBXL4):c.1626T>G (p.Ala542=)

Gene: FBXL4 (F-box and leucine rich repeat protein 4; minus strand). Cytogenetic location: 6q16.1.
Variant type: single nucleotide variant.
Coding change: c.1626T>G on transcript NM_001278716.2 (MANE Select); coding-DNA position 1626, T replaced by G.
Protein change: p.Ala542=; no amino-acid change (alanine 542 retained).
Molecular consequence: synonymous variant. On other transcripts: non-coding transcript variant (1).
Genome position (GRCh38, 1-based): chr6:98,875,491, A>C on the plus strand (T>G on the coding strand, the complement: FBXL4 is on the minus strand). VCF-style: chr6-98875491-A-C. GRCh37 (hg19) VCF-style: chr6-99323367-A-C.
Other names: c.1626T>G, p.Ala542= (NM_012160.5).
Identifiers: ClinVar variation 437779 (VCV000437779.1), dbSNP rs780589605, ClinGen allele CA3933414.